The following is an entry in ClinVar:

ClinVar aggregate classification (germline): Likely benign. Review status: criteria provided, single submitter (1 of 4 stars). 2 submissions from 2 submitters: Likely benign (1). 1 of the submissions does not count toward it. Last evaluated 2022-07-01.

Conditions:
CHD1-related disorder. Also called: CHD1-related condition.

Allele frequency attached by ClinVar (database versions not stated): gnomAD exomes 0.00002; TOPMed 0.00002; gnomAD 0.00003; ESP Exome Variant Server 0.00008; ExAC 0.00010; 1000 Genomes Project 30x 0.00016; 1000 Genomes Project 0.00020.
gnomAD v4.1: 38 of 1,610,764 alleles (0.0024%); highest among the groups gnomAD compares: South Asian, 0.034%; 1 homozygote.

Submissions (2):

CeGaT Center for Human Genetics Tuebingen
Classification: Likely benign. Last evaluated: 2022-07-01. Review status: criteria provided, single submitter. Criteria: CeGaT Center For Human Genetics Tuebingen Variant Classification Criteria Version 2. Collection method: clinical testing. Allele origin: germline. Affected: yes. Observed: 1 variant allele.
Comment: CHD1: BP4, BP7

PreventionGenetics, part of Exact Sciences
Classification: Likely benign for CHD1-related condition. Last evaluated: 2020-01-17. Review status: no assertion criteria provided. Collection method: clinical testing. Allele origin: germline. Not counted in ClinVar's aggregate classification.
Comment: This variant is classified as likely benign based on ACMG/AMP sequence variant interpretation guidelines (Richards et al. 2015 PMID: 25741868, with internal and published modifications).

NM_001270.4(CHD1):c.3507A>G (p.Gly1169=)

Gene: CHD1 (chromodomain helicase DNA binding protein 1; minus strand). Cytogenetic location: 5q15.
Variant type: single nucleotide variant.
Coding change: c.3507A>G on transcript NM_001270.4 (MANE Select); coding-DNA position 3507, A replaced by G.
Protein change: p.Gly1169=; no amino-acid change (glycine 1169 retained).
Molecular consequence: synonymous variant. On other transcripts: non-coding transcript variant (2).
Genome position (GRCh38, 1-based): chr5:98,873,657, T>C on the plus strand (A>G on the coding strand, the complement: CHD1 is on the minus strand). VCF-style: chr5-98873657-T-C. GRCh37 (hg19) VCF-style: chr5-98209361-T-C.
Other names: c.3507A>G, p.Gly1169= (NM_001364113.3, NM_001376194.2); c.3507A>G (NM_001270.2).
Identifiers: ClinVar variation 2655613 (VCV002655613.25), dbSNP rs376850493, ClinGen allele CA3355922.
Genomic context (GRCh38, chr5:98,873,657, plus strand): 5'-TCGTTCTGTTCCTGAAGAACTATCCTTTAATGCTTTAATGCAACCATTATGTACCAATTC[T>C]CCCAGTCGTCTAAGGTCTGTTTCTGACTTATCAACTAACTCAGCATCTCGAGCAATTGCA-3'
Protein context (NP_001261.2, residues 1159-1179): DKSETDLRRL[Gly1169=]ELVHNGCIKA